The following is an entry in ClinVar:

ClinVar aggregate classification (germline): Pathogenic. Review status: criteria provided, single submitter (1 of 4 stars). 2 submissions from 2 submitters: Pathogenic (1). 1 of the submissions does not count toward it. Last evaluated 2025-12-10.

Conditions:
Wolfram syndrome 1 (WFS1). Identifiers: Orphanet 3463, MedGen C4551693, MONDO:0009101, OMIM 222300.

Submissions (2):

Labcorp Genetics (formerly Invitae), Labcorp
Classification: Pathogenic. Last evaluated: 2025-12-10. Review status: criteria provided, single submitter. Criteria: Invitae Variant Classification Sherloc (09022015). Collection method: clinical testing. Allele origin: germline.
Comment: This sequence change creates a premature translational stop signal (p.Phe646Valfs*63) in the WFS1 gene. While this is not anticipated to result in nonsense mediated decay, it is expected to disrupt the last 245 amino acid(s) of the WFS1 protein. This variant is not present in population databases (gnomAD no frequency). This premature translational stop signal has been observed in individual(s) with clinical features of autosomal recessive Wolfram syndrome (PMID: 18806274). ClinVar contains an entry for this variant (Variation ID: 30553). This variant disrupts a region of the WFS1 protein in which other variant(s) (p.Pro885Leu) have been determined to be pathogenic (PMID: 10521293, 28432734). This suggests that this is a clinically significant region of the protein, and that variants that disrupt it are likely to be disease-causing. For these reasons, this variant has been classified as Pathogenic.

OMIM
Classification: Pathogenic for WOLFRAM SYNDROME 1. Last evaluated: 2008-12-15. Review status: no assertion criteria provided. Collection method: literature only. Allele origin: germline. Not counted in ClinVar's aggregate classification.

Literature cited by the submitters: PubMed 18806274 (cited by Labcorp Genetics (formerly Invitae), Labcorp and OMIM); PubMed 10521293 (cited by Labcorp Genetics (formerly Invitae), Labcorp); PubMed 28432734 (cited by Labcorp Genetics (formerly Invitae), Labcorp).

NM_006005.3(WFS1):c.1936_1943del (p.Phe646fs)

Gene: WFS1 (wolframin ER transmembrane glycoprotein; plus strand). Cytogenetic location: 4p16.1.
Variant type: Deletion.
Coding change: c.1936_1943del on transcript NM_006005.3 (MANE Select); coding-DNA positions 1936 to 1943, 8 bases deleted (TTCTGCTG; older notation c.1936_1943delTTCTGCTG).
Protein change: p.Phe646fs; shifts the reading frame from phenylalanine 646.
Molecular consequence: frameshift variant.
Genome position (GRCh38, 1-based): chr4:6,301,731-6,301,738, TTCTGCTG deleted; deleting any 8 consecutive bases within chr4:6,301,726-6,301,738 gives the same sequence; the c. name uses the placement nearest the transcript's 3' end. VCF-style (leftmost placement, unchanged base first): chr4-6301725-GTGCTGTTC-G. GRCh37 (hg19) VCF-style: chr4-6303452-GTGCTGTTC-G.
Other names: c.1936_1943del, p.Phe646fs (NM_001145853.1); short protein forms F646fs.
Identifiers: ClinVar variation 30553 (VCV000030553.4), dbSNP rs71524374, ClinGen allele CA91796697.
Genomic context (GRCh38, chr4:6,301,725, plus strand): 5'-GTGAAGTCCCTGACGCGGAGCTCCATGGTCAAGCTCATCCTGGTGTGGCTCACGGCCATC[GTGCTGTTC>G]TGCTGGTTCTATGTGTACCGCTCAGAGGGCATGAAGGTCTACAACTCCACACTGACCTGG-3'